The following is an entry in ClinVar:

ClinVar aggregate classification (germline): Pathogenic (1 of 4 stars; one submission).

Conditions:
Osteogenesis imperfecta type I (OI1). Also called: Lobstein disease; OI, TYPE I; OSTEOGENESIS IMPERFECTA TARDA; OSTEOGENESIS IMPERFECTA WITH BLUE SCLERAE; Osteogenesis imperfecta type 1; Classic Non-deforming Osteogenesis Imperfecta with Blue Sclerae. Identifiers: Orphanet 216796, Orphanet 666, MedGen C0023931, MONDO:0008146, OMIM 166200. Disease mechanism: loss of function.

Submission:

Labcorp Genetics (formerly Invitae), Labcorp
Classification: Pathogenic for Osteogenesis imperfecta type I. Last evaluated: 2022-08-23. Review status: criteria provided, single submitter. Criteria: Invitae Variant Classification Sherloc (09022015). Collection method: clinical testing. Allele origin: germline.
Comment: For these reasons, this variant has been classified as Pathogenic. This variant has not been reported in the literature in individuals affected with COL1A1-related conditions. This variant is not present in population databases (gnomAD no frequency). This sequence change creates a premature translational stop signal (p.Asp97Glufs*168) in the COL1A1 gene. It is expected to result in an absent or disrupted protein product. Loss-of-function variants in COL1A1 are known to be pathogenic (PMID: 7942841, 9295084, 9443882).

Literature cited by the submitters: PubMed 7942841; PubMed 9295084; PubMed 9443882.

NM_000088.4(COL1A1):c.291del (p.Asp97fs)

Gene: COL1A1 (collagen type I alpha 1 chain; minus strand). Cytogenetic location: 17q21.33.
Variant type: Deletion.
Coding change: c.291del on transcript NM_000088.4 (MANE Select); coding-DNA position 291, one base deleted (C; older notation c.291delC).
Protein change: p.Asp97fs; shifts the reading frame from aspartic acid 97.
Molecular consequence: frameshift variant.
Genome position (GRCh38, 1-based): chr17:50,199,760, G deleted on the plus strand (C on the coding strand, the reverse complement: COL1A1 is on the minus strand). VCF-style (leftmost placement, unchanged base first): chr17-50199759-CG-C. GRCh37 (hg19) VCF-style: chr17-48277120-CG-C.
Other names: short protein forms D97fs.
Identifiers: ClinVar variation 2026664 (VCV002026664.4), dbSNP rs2509258061, ClinGen allele CA2580094605.